The following is an entry in ClinVar:

NM_006231.4(POLE):c.5812-15T>C

Gene: POLE (DNA polymerase epsilon, catalytic subunit; minus strand). Cytogenetic location: 12q24.33.
Variant type: single nucleotide variant.
Coding change: c.5812-15T>C on transcript NM_006231.4 (MANE Select); 15 bases into the intron before coding-DNA position 5812, T replaced by C.
Molecular consequence: intron variant.
Genome position (GRCh38, 1-based): chr12:132,634,393, A>G on the plus strand (T>C on the coding strand, the complement: POLE is on the minus strand). VCF-style: chr12-132634393-A-G. GRCh37 (hg19) VCF-style: chr12-133210979-A-G.
Identifiers: ClinVar variation 2891693 (VCV002891693.3), dbSNP rs2541860581, ClinGen allele CA2739277359.

ClinVar aggregate classification (germline): Uncertain significance (1 of 4 stars; one submission).

Submission:

Labcorp Genetics (formerly Invitae), Labcorp
Classification: Uncertain significance. Last evaluated: 2023-11-08. Review status: criteria provided, single submitter. Criteria: Invitae Variant Classification Sherloc (09022015). Collection method: clinical testing. Allele origin: germline.
Comment: This sequence change falls in intron 42 of the POLE gene. It does not directly change the encoded amino acid sequence of the POLE protein. This variant is not present in population databases (gnomAD no frequency). This variant has not been reported in the literature in individuals affected with POLE-related conditions. Algorithms developed to predict the effect of sequence changes on RNA splicing suggest that this variant may disrupt the consensus splice site. In summary, the available evidence is currently insufficient to determine the role of this variant in disease. Therefore, it has been classified as a Variant of Uncertain Significance.